The following is an entry in ClinVar:

NM_001382391.1(CSPP1):c.2174T>C (p.Phe725Ser)

Gene: CSPP1 (centrosome and spindle pole associated protein 1; plus strand). Cytogenetic location: 8q13.2.
Variant type: single nucleotide variant.
Coding change: c.2174T>C on transcript NM_001382391.1 (MANE Select); coding-DNA position 2174, T replaced by C.
Protein change: p.Phe725Ser; replaces phenylalanine 725 with serine.
Molecular consequence: missense variant.
Genome position (GRCh38, 1-based): chr8:67,154,069, T>C. VCF-style: chr8-67154069-T-C. GRCh37 (hg19) VCF-style: chr8-68066304-T-C.
Other names: c.2240T>C, p.Phe747Ser (NM_001364869.1); c.2060T>C, p.Phe687Ser (NM_001364870.1); c.2159T>C, p.Phe720Ser (NM_024790.7); c.1124T>C, p.Phe375Ser (NM_001291339.2); c.2093T>C, p.Phe698Ser (NM_001363131.2); c.1979T>C, p.Phe660Ser (NM_001363132.2); c.1898T>C, p.Phe633Ser (NM_001363133.2); short protein forms F633S, F660S, F687S, F720S, F725S, F698S, F375S, F747S.
Identifiers: ClinVar variation 1472699 (VCV001472699.6), dbSNP rs2129559050, ClinGen allele CA371187791.

ClinVar aggregate classification (germline): Uncertain significance (1 of 4 stars; one submission).

Conditions:
Joubert syndrome 21 (JBTS21). Identifiers: MedGen C3810212, MONDO:0014288, OMIM 615636.

Allele frequency attached by ClinVar (database versions not stated): gnomAD exomes below 0.00001.
gnomAD v4.1: 3 of 1,608,560 alleles (0.00019%); highest among the groups gnomAD compares: East Asian, 0.0022%; no homozygotes.

Submission:

Labcorp Genetics (formerly Invitae), Labcorp
Classification: Uncertain significance for Joubert syndrome 21. Last evaluated: 2024-08-12. Review status: criteria provided, single submitter. Criteria: Invitae Variant Classification Sherloc (09022015). Collection method: clinical testing. Allele origin: germline.
Comment: This sequence change replaces phenylalanine, which is neutral and non-polar, with serine, which is neutral and polar, at codon 720 of the CSPP1 protein (p.Phe720Ser). This variant is not present in population databases (gnomAD no frequency). This variant has not been reported in the literature in individuals affected with CSPP1-related conditions. ClinVar contains an entry for this variant (Variation ID: 1472699). An algorithm developed to predict the effect of missense changes on protein structure and function (PolyPhen-2) suggests that this variant is likely to be disruptive. In summary, the available evidence is currently insufficient to determine the role of this variant in disease. Therefore, it has been classified as a Variant of Uncertain Significance.